The following is an entry in ClinVar:

ClinVar aggregate classification (germline): Benign/Likely benign. Review status: criteria provided, multiple submitters, no conflicts (2 of 4 stars). 4 submissions from 4 submitters: Benign (2); Likely benign (2). Last evaluated 2026-01-25.

Conditions:
Pyogenic arthritis-pyoderma gangrenosum-acne syndrome (PAPA). Also called: FAMILIAL RECURRENT ARTHRITIS; PAPA SYNDROME. Identifiers: Orphanet 69126, MedGen C1858361, MONDO:0011462, OMIM 604416.
Autoinflammatory syndrome. Identifiers: Orphanet 93665, MedGen C3890737, MONDO:0019751.

Allele frequency attached by ClinVar (database versions not stated): gnomAD below 0.00001 and 0.00005; TOPMed 0.00002; gnomAD exomes 0.00014; ExAC 0.00021; 1000 Genomes Project 0.00040; 1000 Genomes Project 30x 0.00047.
gnomAD v4.1: 88 of 1,609,858 alleles (0.0055%); highest among the groups gnomAD compares: South Asian, 0.075%; 1 homozygote.

Submissions (4):

Labcorp Genetics (formerly Invitae), Labcorp
Classification: Benign for Pyogenic arthritis-pyoderma gangrenosum-acne syndrome. Last evaluated: 2026-01-25. Review status: criteria provided, single submitter. Criteria: Invitae Variant Classification Sherloc (09022015). Collection method: clinical testing. Allele origin: germline.

Genome Diagnostics Laboratory, The Hospital for Sick Children
Classification: Likely benign for Autoinflammatory syndrome. Last evaluated: 2022-01-17. Review status: criteria provided, single submitter. Criteria: ACMG Guidelines, 2015. Collection method: clinical testing. Allele origin: germline. Affected: yes.

GeneDx
Classification: Likely benign. Last evaluated: 2019-05-09. Review status: criteria provided, single submitter. Criteria: GeneDx Variant Classification Process June 2021. Collection method: clinical testing. Allele origin: germline. Affected: yes.

Illumina Laboratory Services, Illumina
Classification: Benign for Pyogenic arthritis-pyoderma gangrenosum-acne syndrome. Last evaluated: 2018-01-12. Review status: criteria provided, single submitter. Criteria: ICSL Variant Classification Criteria 13 December 2019. Collection method: clinical testing. Allele origin: germline.
Comment: This variant was observed in the ICSL laboratory as part of a predisposition screen in an ostensibly healthy population. It had not been previously curated by ICSL or reported in the Human Gene Mutation Database (HGMD: prior to June 1st, 2018), and was therefore a candidate for classification through an automated scoring system. Utilizing variant allele frequency, disease prevalence and penetrance estimates, and inheritance mode, an automated score was calculated to assess if this variant is too frequent to cause the disease. Based on the score and internal cut-off values, a variant classified as benign is not then subjected to further curation. The score for this variant resulted in a classification of benign for this disease.

NM_003978.5(PSTPIP1):c.1233C>T (p.Ser411=)

Gene: PSTPIP1 (proline-serine-threonine phosphatase interacting protein 1; plus strand). Cytogenetic location: 15q24.3.
Variant type: single nucleotide variant.
Coding change: c.1233C>T on transcript NM_003978.5 (MANE Select); coding-DNA position 1233, C replaced by T.
Protein change: p.Ser411=; no amino-acid change (serine 411 retained).
Molecular consequence: synonymous variant. On other transcripts: non-coding transcript variant (1).
Genome position (GRCh38, 1-based): chr15:77,037,158, C>T. VCF-style: chr15-77037158-C-T. GRCh37 (hg19) VCF-style: chr15-77329499-C-T.
Other names: c.1176C>T, p.Ser392= (NM_001321135.2); c.1206C>T, p.Ser402= (NM_001321136.2); c.1428C>T, p.Ser476= (NM_001321137.1).
Identifiers: ClinVar variation 886219 (VCV000886219.13), dbSNP rs538042433, ClinGen allele CA7676235.